The following is an entry in ClinVar:

NM_001042492.3(NF1):c.146dup (p.Tyr49Ter)

Gene: NF1 (neurofibromin 1; plus strand). Cytogenetic location: 17q11.2.
Variant type: Duplication.
Coding change: c.146dup on transcript NM_001042492.3 (MANE Select); coding-DNA position 146, one base duplicated (A; older notation c.146dupA).
Protein change: p.Tyr49Ter; replaces tyrosine 49 with a stop codon.
Molecular consequence: nonsense. On other transcripts: frameshift variant (1).
Genome position (GRCh38, 1-based): chr17:31,156,068, A duplicated. VCF-style (leftmost placement, unchanged base first): chr17-31156067-T-TA. GRCh37 (hg19) VCF-style: chr17-29483085-T-TA.
Other names: c.146dupA (NM_000267.3); c.146dup, p.Tyr49Terfs (NM_000267.4); c.146dup, p.Tyr49Ter (NM_001128147.3); short protein forms Y49*.
Identifiers: ClinVar variation 1773333 (VCV001773333.2), dbSNP rs2544681392, ClinGen allele CA2580092814.

ClinVar aggregate classification (germline): Pathogenic (1 of 4 stars; one submission).

Conditions:
Cardiovascular phenotype. Identifiers: MedGen CN230736.
Hereditary cancer-predisposing syndrome. Also called: Hereditary Cancer Syndrome; Hereditary neoplastic syndrome; Neoplastic Syndromes, Hereditary; Tumor predisposition. Identifiers: Orphanet 140162, MedGen C0027672, MeSH D009386, MONDO:0015356.

Submission:

Ambry Genetics
Classification: Pathogenic for Cardiovascular phenotype; Hereditary cancer-predisposing syndrome. Last evaluated: 2021-07-30. Review status: criteria provided, single submitter. Criteria: Ambry Variant Classification Scheme 2023. Collection method: clinical testing. Allele origin: germline.
Comment: The c.146dupA pathogenic mutation, located in coding exon 2 of the NF1 gene, results from a duplication of A at nucleotide position 146, causing a translational frameshift with a predicted alternate stop codon (p.Y49*). This variant is considered to be rare based on population cohorts in the Genome Aggregation Database (gnomAD). This alteration is expected to result in loss of function by premature protein truncation or nonsense-mediated mRNA decay. As such, this alteration is interpreted as a disease-causing mutation.